The following is an entry in ClinVar:

ClinVar aggregate classification (germline): Benign/Likely benign. Review status: criteria provided, multiple submitters, no conflicts (2 of 4 stars). 4 submissions from 4 submitters: Benign (2); Likely benign (2). Last evaluated 2026-01-24.

Conditions:
Bilateral frontoparietal polymicrogyria. Also called: CORTICAL DYSPLASIA, COMPLEX, WITH OTHER BRAIN MALFORMATIONS 14A (BILATERAL FRONTOPARIETAL); CEREBELLAR ATAXIA WITH NEURONAL MIGRATION DEFECT. Identifiers: Orphanet 101070, MedGen C1847352, MONDO:0011738, OMIM 606854.

Allele frequency attached by ClinVar (database versions not stated): TOPMed 0.00013; gnomAD 0.00054 and 0.00014; 1000 Genomes Project 30x 0.00219; 1000 Genomes Project 0.00280; gnomAD exomes 0.00023; ExAC 0.00038.
gnomAD v4.1: 1,818 of 1,590,822 alleles (0.11%); highest among the groups gnomAD compares: East Asian, 4%; 79 homozygotes.

Submissions (4):

Labcorp Genetics (formerly Invitae), Labcorp
Classification: Benign. Last evaluated: 2026-01-24. Review status: criteria provided, single submitter. Criteria: Invitae Variant Classification Sherloc (09022015). Collection method: clinical testing. Allele origin: germline.

GeneDx
Classification: Likely benign. Last evaluated: 2019-07-11. Review status: criteria provided, single submitter. Criteria: GeneDx Variant Classification Process June 2021. Collection method: clinical testing. Allele origin: germline. Affected: yes.

Illumina Laboratory Services, Illumina
Classification: Likely benign for Bilateral frontoparietal polymicrogyria. Last evaluated: 2018-01-12. Review status: criteria provided, single submitter. Criteria: ICSL Variant Classification Criteria 13 December 2019. Collection method: clinical testing. Allele origin: germline.
Comment: This variant was observed in the ICSL laboratory as part of a predisposition screen in an ostensibly healthy population. It had not been previously curated by ICSL or reported in the Human Gene Mutation Database (HGMD: prior to June 1st, 2018), and was therefore a candidate for classification through an automated scoring system. Utilizing variant allele frequency, disease prevalence and penetrance estimates, and inheritance mode, an automated score was calculated to assess if this variant is too frequent to cause the disease. Based on the score and internal cut-off values, a variant classified as likely benign is not then subjected to further curation. The score for this variant resulted in a classification of likely benign for this disease.

Genetic Services Laboratory, University of Chicago
Classification: Benign. Last evaluated: 2013-02-08. Review status: criteria provided, single submitter. Criteria: ACMG Guidelines, 2007. Collection method: clinical testing. Allele origin: germline. Inheritance: Autosomal recessive inheritance.

NM_201525.4(ADGRG1):c.1647C>T (p.Gly549=)

Gene: ADGRG1 (adhesion G protein-coupled receptor G1; plus strand). Cytogenetic location: 16q21.
Variant type: single nucleotide variant.
Coding change: c.1647C>T on transcript NM_201525.4 (MANE Select); coding-DNA position 1647, C replaced by T.
Protein change: p.Gly549=; no amino-acid change (glycine 549 retained).
Molecular consequence: synonymous variant.
Genome position (GRCh38, 1-based): chr16:57,660,859, C>T. VCF-style: chr16-57660859-C-T. GRCh37 (hg19) VCF-style: chr16-57694771-C-T.
Other names: c.1647C>T, p.Gly549= (NM_001145770.3, NM_001145772.3, NM_001145774.3 and 7 more transcripts); c.1665C>T, p.Gly555= (NM_001145771.3, NM_001370428.1, NM_001370429.1 and 4 more transcripts); c.1662C>T, p.Gly554= (NM_001145773.3, NM_001370433.1, NM_001370434.1); c.1155C>T, p.Gly385= (NM_001290142.2); c.1140C>T, p.Gly380= (NM_001290143.2); c.1122C>T, p.Gly374= (NM_001290144.2, NM_001370451.1, NM_001370453.1 and 1 more transcripts); c.1644C>T, p.Gly548= (NM_001370441.1); c.1491C>T, p.Gly497= (NM_001370442.1).
Identifiers: ClinVar variation 158622 (VCV000158622.22), dbSNP rs2278808, ClinGen allele CA172252.